The following is an entry in ClinVar:

ClinVar aggregate classification (germline): Benign. Review status: criteria provided, multiple submitters, no conflicts (2 of 4 stars). 2 submissions from 2 submitters: Benign (2). Last evaluated 2026-07-01.

Conditions:
Glycogen storage disease, type II (IOPD). Also called: Pompe Disease; CARDIOMEGALIA GLYCOGENICA DIFFUSA; GLYCOGENOSIS, GENERALIZED, CARDIAC FORM; GSD II; POMPE DISEASE, INFANTILE-ONSET; GLYCOGEN STORAGE DISEASE II, INFANTILE-ONSET. Identifiers: Orphanet 365, MedGen C0017921, MONDO:0009290, OMIM 232300.

Allele frequency attached by ClinVar (database versions not stated): 1000 Genomes Project 30x 0.59385; 1000 Genomes Project 0.59565; TOPMed 0.62658; gnomAD 0.64633 and 0.64691.
gnomAD v4.1: 98,462 of 152,138 alleles (65%); highest among the groups gnomAD compares: Middle Eastern, 85%; 32,864 homozygotes.

Submissions (2):

Genomenon, Inc
Classification: Benign for Glycogen storage disease, type II. Last evaluated: 2026-07-01. Review status: criteria provided, single submitter. Criteria: Genomenon Sequence Variant Interpretation Standards - Updated. Collection method: curation. Allele origin: germline. Affected: no.
Comment: GAA c.2189+263G>A is an intronic variant located in intron 15. This variant is present at high allele frequency in population databases. We classify GAA c.2189+263G>A as a benign variant.

GeneDx
Classification: Benign. Last evaluated: 2018-06-14. Review status: criteria provided, single submitter. Criteria: GeneDx Variant Classification (06012015). Collection method: clinical testing. Allele origin: germline. Affected: yes.
Comment: This variant is considered likely benign or benign based on one or more of the following criteria: it is a conservative change, it occurs at a poorly conserved position in the protein, it is predicted to be benign by multiple in silico algorithms, and/or has population frequency not consistent with disease.

NM_000152.5(GAA):c.2189+263G>A

Gene: GAA (alpha glucosidase; plus strand). Cytogenetic location: 17q25.3.
Variant type: single nucleotide variant.
Coding change: c.2189+263G>A on transcript NM_000152.5 (MANE Select); 263 bases into the intron after coding-DNA position 2189, G replaced by A.
Molecular consequence: intron variant.
Genome position (GRCh38, 1-based): chr17:80,113,629, G>A. VCF-style: chr17-80113629-G-A. GRCh37 (hg19) VCF-style: chr17-78087428-G-A.
Other names: c.2189+263G>A (NM_001079803.3, NM_001079804.3).
Identifiers: ClinVar variation 680592 (VCV000680592.2), dbSNP rs7221604, ClinGen allele CA14478732.